The following is an entry in ClinVar:

NM_007194.4(CHEK2):c.1461+345G>A

Gene: CHEK2 (checkpoint kinase 2; minus strand). Cytogenetic location: 22q12.1.
Variant type: single nucleotide variant.
Coding change: c.1461+345G>A on transcript NM_007194.4 (MANE Select); 345 bases into the intron after coding-DNA position 1461, G replaced by A.
Molecular consequence: intron variant.
Genome position (GRCh38, 1-based): chr22:28,693,687, C>T on the plus strand (G>A on the coding strand, the complement: CHEK2 is on the minus strand). VCF-style: chr22-28693687-C-T. GRCh37 (hg19) VCF-style: chr22-29089675-C-T.
Other names: c.798+345G>A (NM_001437942.1, NM_001257387.3); c.1260+345G>A (NM_001349956.3); c.1374+345G>A (NM_145862.3); c.1467+345G>A (NM_001438295.1); c.1554+345G>A (NM_001438293.1); c.1503+345G>A (NM_001438294.1); c.1590+345G>A (NM_001005735.3).
Identifiers: ClinVar variation 679700 (VCV000679700.1), dbSNP rs144770665, ClinGen allele CA323004266.

ClinVar aggregate classification (germline): Likely benign (1 of 4 stars; one submission).

Allele frequency attached by ClinVar (database versions not stated): 1000 Genomes Project 0.00100; 1000 Genomes Project 30x 0.00125; TOPMed 0.00522; gnomAD 0.00642 and 0.00659.
gnomAD v4.1: 969 of 152,180 alleles (0.64%); highest among the groups gnomAD compares: Non-Finnish European, 0.94%; 4 homozygotes.

Submission:

GeneDx
Classification: Likely benign. Last evaluated: 2018-06-18. Review status: criteria provided, single submitter. Criteria: GeneDx Variant Classification (06012015). Collection method: clinical testing. Allele origin: germline. Affected: yes.
Comment: This variant is considered likely benign or benign based on one or more of the following criteria: it is a conservative change, it occurs at a poorly conserved position in the protein, it is predicted to be benign by multiple in silico algorithms, and/or has population frequency not consistent with disease.